The following is an entry in ClinVar:

ClinVar aggregate classification (germline): Benign. Review status: criteria provided, single submitter (1 of 4 stars). 3 submissions from 1 submitter: Benign (3). Last evaluated 2018-01-13.

Conditions:
Polydactyly. Also called: polydactylism. Identifiers: MedGen C0152427, MONDO:0021003, OMIM 603596, HP:0010442.
Pallister-Hall syndrome (PHS). Also called: HYPOTHALAMIC HAMARTOBLASTOMA, HYPOPITUITARISM, IMPERFORATE ANUS, AND POSTAXIAL POLYDACTYLY; GLI3-Related Pallister-Hall Syndrome. Identifiers: Orphanet 672, MedGen C0265220, MONDO:0007804, OMIM 146510.
Greig cephalopolysyndactyly syndrome (GCPS). Also called: POLYSYNDACTYLY WITH PECULIAR SKULL SHAPE; Greig syndrome; GLI3-Related Greig Cephalopolysyndactyly Syndrome. Identifiers: Orphanet 380, MedGen C0265306, MONDO:0008287, OMIM 175700.

Allele frequency attached by ClinVar (database versions not stated): gnomAD 0.35079 and 0.36344; TOPMed 0.36887; gnomAD exomes 0.37302; 1000 Genomes Project 30x 0.44113; 1000 Genomes Project 0.45168.
gnomAD v4.1: 60,622 of 166,244 alleles (36%); highest among the groups gnomAD compares: East Asian, 80%; 12,191 homozygotes.

Submissions (3):

Illumina Laboratory Services, Illumina
Classification: Benign for Pallister-Hall syndrome. Last evaluated: 2018-01-13. Review status: criteria provided, single submitter. Criteria: ICSL Variant Classification Criteria 13 December 2019. Collection method: clinical testing. Allele origin: germline.
Comment: This variant was observed in the ICSL laboratory as part of a predisposition screen in an ostensibly healthy population. It had not been previously curated by ICSL or reported in the Human Gene Mutation Database (HGMD: prior to June 1st, 2018), and was therefore a candidate for classification through an automated scoring system. Utilizing variant allele frequency, disease prevalence and penetrance estimates, and inheritance mode, an automated score was calculated to assess if this variant is too frequent to cause the disease. Based on the score and internal cut-off values, a variant classified as benign is not then subjected to further curation. The score for this variant resulted in a classification of benign for this disease.

Illumina Laboratory Services, Illumina
Classification: Benign for Greig cephalopolysyndactyly syndrome. Last evaluated: 2018-01-13. Review status: criteria provided, single submitter. Criteria: ICSL Variant Classification Criteria 13 December 2019. Collection method: clinical testing. Allele origin: germline.
Comment: the same text as in the submission from Illumina Laboratory Services, Illumina above.

Illumina Laboratory Services, Illumina
Classification: Benign for Polydactyly. Last evaluated: 2018-01-13. Review status: criteria provided, single submitter. Criteria: ICSL Variant Classification Criteria 13 December 2019. Collection method: clinical testing. Allele origin: germline.
Comment: the same text as in the submission from Illumina Laboratory Services, Illumina above.

NM_000168.6(GLI3):c.*428C>T

Gene: GLI3 (GLI family zinc finger 3; minus strand). Cytogenetic location: 7p14.1.
Variant type: single nucleotide variant.
Coding change: c.*428C>T on transcript NM_000168.6 (MANE Select); 428 bases downstream of the stop codon, C replaced by T.
Molecular consequence: 3 prime UTR variant.
Genome position (GRCh38, 1-based): chr7:41,963,902, G>A on the plus strand (C>T on the coding strand, the complement: GLI3 is on the minus strand). VCF-style: chr7-41963902-G-A. GRCh37 (hg19) VCF-style: chr7-42003500-G-A.
Identifiers: ClinVar variation 360209 (VCV000360209.5), dbSNP rs2051935, ClinGen allele CA10626090.